The following is an entry in ClinVar:

ClinVar aggregate classification (germline): Uncertain significance (1 of 4 stars; one submission).

Conditions:
Familial thoracic aortic aneurysm and aortic dissection (TAAD). Also called: Thoracic aortic aneurysms and dissections. Identifiers: Orphanet 91387, MedGen C4707243, MONDO:0019625.

Allele frequency attached by ClinVar (database versions not stated): TOPMed below 0.00001.

Submission:

Ambry Genetics
Classification: Uncertain significance for Familial thoracic aortic aneurysm and aortic dissection. Last evaluated: 2019-06-28. Review status: criteria provided, single submitter. Criteria: Ambry Variant Classification Scheme 2023. Collection method: clinical testing. Allele origin: germline.
Comment: The p.D1630N variant (also known as c.4888G>A), located in coding exon 36 of the MED12 gene, results from a G to A substitution at nucleotide position 4888. The aspartic acid at codon 1630 is replaced by asparagine, an amino acid with highly similar properties. This amino acid position is not well conserved in available vertebrate species. In addition, this alteration is predicted to be tolerated by in silico analysis. Since supporting evidence is limited at this time, the clinical significance of this alteration remains unclear.

NM_005120.3(MED12):c.4888G>A (p.Asp1630Asn)

Gene: MED12 (mediator complex subunit 12; plus strand). Cytogenetic location: Xq13.1.
Variant type: single nucleotide variant.
Coding change: c.4888G>A on transcript NM_005120.3 (MANE Select); coding-DNA position 4888, G replaced by A.
Protein change: p.Asp1630Asn; replaces aspartic acid 1630 with asparagine.
Molecular consequence: missense variant.
Genome position (GRCh38, 1-based): chrX:71,135,116, G>A. VCF-style: chrX-71135116-G-A. GRCh37 (hg19) VCF-style: chrX-70354966-G-A.
Other names: short protein forms D1630N.
Identifiers: ClinVar variation 1743828 (VCV001743828.2), dbSNP rs1783514416, ClinGen allele CA413532972.